The following is an entry in ClinVar:

ClinVar aggregate classification (germline): Uncertain significance (1 of 4 stars; one submission).

Conditions:
Hereditary cancer-predisposing syndrome. Also called: Tumor predisposition; Neoplastic Syndromes, Hereditary; Hereditary Cancer Syndrome; Hereditary neoplastic syndrome. Identifiers: Orphanet 140162, MedGen C0027672, MeSH D009386, MONDO:0015356.

Submission:

Ambry Genetics
Classification: Uncertain significance for Hereditary cancer-predisposing syndrome. Last evaluated: 2024-09-04. Review status: criteria provided, single submitter. Criteria: Ambry Variant Classification Scheme 2023. Collection method: clinical testing. Allele origin: germline.
Comment: The p.H318D variant (also known as c.952C>G), located in coding exon 7 of the FH gene, results from a C to G substitution at nucleotide position 952. The histidine at codon 318 is replaced by aspartic acid, an amino acid with similar properties. This amino acid position is highly conserved in available vertebrate species. In addition, this alteration is predicted to be deleterious by in silico analysis. Based on the available evidence, the clinical significance of this variant remains unclear.

NM_000143.4(FH):c.952C>G (p.His318Asp)

Gene: FH (fumarate hydratase; minus strand). Cytogenetic location: 1q43.
Variant type: single nucleotide variant.
Coding change: c.952C>G on transcript NM_000143.4 (MANE Select); coding-DNA position 952, C replaced by G.
Protein change: p.His318Asp; replaces histidine 318 with aspartic acid.
Molecular consequence: missense variant.
Genome position (GRCh38, 1-based): chr1:241,504,198, G>C on the plus strand (C>G on the coding strand, the complement: FH is on the minus strand). VCF-style: chr1-241504198-G-C. GRCh37 (hg19) VCF-style: chr1-241667498-G-C.
Other names: short protein forms H318D.
Identifiers: ClinVar variation 3515096 (VCV003515096.1).